The following is an entry in ClinVar:

NM_000503.6(EYA1):c.912del (p.Gly305fs)

Gene: EYA1 (EYA transcriptional coactivator and phosphatase 1; minus strand). Cytogenetic location: 8q13.3.
Variant type: Deletion.
Coding change: c.912del on transcript NM_000503.6 (MANE Select); coding-DNA position 912, one base deleted (T; older notation c.912delT).
Protein change: p.Gly305fs; shifts the reading frame from glycine 305.
Molecular consequence: frameshift variant.
Genome position (GRCh38, 1-based): chr8:71,271,812, A deleted on the plus strand (T on the coding strand, the reverse complement: EYA1 is on the minus strand). VCF-style (leftmost placement, unchanged base first): chr8-71271811-CA-C. GRCh37 (hg19) VCF-style: chr8-72184046-CA-C.
Other names: c.894del, p.Gly299fs (NM_001288574.2); c.546del, p.Gly183fs (NM_001288575.2); c.999del, p.Gly334fs (NM_001370333.1); c.912del, p.Gly305fs (NM_001370334.1, NM_001370335.1, NM_172058.4); c.981del, p.Gly328fs (NM_001370336.1); c.813del, p.Gly272fs (NM_001411797.1, NM_172060.4); c.984del, p.Gly329fs (NM_172059.5); short protein forms G183fs, G272fs, G299fs, G305fs, G328fs, G329fs, G334fs.
Identifiers: ClinVar variation 3377161 (VCV003377161.1).

ClinVar aggregate classification (germline): Pathogenic (1 of 4 stars; one submission).

Conditions:
Branchiootorenal syndrome 1. Also called: Branchio-Oto-Renal Syndrome 1. Identifiers: Orphanet 107, MedGen C4551702, MONDO:0007236, OMIM 113650.

Submission:

Victorian Clinical Genetics Services, Murdoch Childrens Research Institute
Classification: Pathogenic for Branchiootorenal syndrome 1. Last evaluated: 2024-10-09. Review status: criteria provided, single submitter. Criteria: ACMG Guidelines, 2015. Collection method: clinical testing. Allele origin: germline. Inheritance: Autosomal dominant inheritance. Affected: yes.
Comment: Based on the classification scheme VCGS_Germline_v1.3.4, this variant is classified as Pathogenic. Following criteria are met: 0102 - Loss of function is a known mechanism of disease in this gene and is associated with anterior segment anomalies with or without cataract (MIM#602588), branchiootic syndrome (MIM#602588), and branchiootorenal syndrome 1, with or without cataracts (MIM#113650). (I) 0107 - This gene is associated with autosomal dominant disease. (I) 0201 - Variant is predicted to cause nonsense-mediated decay (NMD) and loss of protein (premature termination codon is located at least 54 nucleotides upstream of the final exon-exon junction). (SP) 0251 - This variant is heterozygous. (I) 0301 - Variant is absent from gnomAD (both v2 and v3). (SP) 0701 - Many other NMD-predicted variant(s) comparable to the one identified in this case have very strong previous evidence for pathogenicity (DECIPHER). (SP) 0807 - This variant has no previous evidence of pathogenicity. (I) 0905 - No published segregation evidence has been identified for this variant. (I) 1007 - No published functional evidence has been identified for this variant. (I) 1208 - Inheritance information for this variant is not currently available in this individual. (I) Legend: (SP) - Supporting pathogenic, (I) - Information, (SB) - Supporting benign